The following is an entry in ClinVar:

ClinVar aggregate classification (germline): Uncertain significance (1 of 4 stars; one submission).

Submission:

Labcorp Genetics (formerly Invitae), Labcorp
Classification: Uncertain significance. Last evaluated: 2024-12-31. Review status: criteria provided, single submitter. Criteria: Invitae Variant Classification Sherloc (09022015). Collection method: clinical testing. Allele origin: germline.
Comment: This sequence change replaces aspartic acid, which is acidic and polar, with histidine, which is basic and polar, at codon 160 of the INTU protein (p.Asp160His). This variant is not present in population databases (gnomAD no frequency). This variant has not been reported in the literature in individuals affected with INTU-related conditions. Invitae Evidence Modeling of protein sequence and biophysical properties (such as structural, functional, and spatial information, amino acid conservation, physicochemical variation, residue mobility, and thermodynamic stability) indicates that this missense variant is not expected to disrupt INTU protein function with a negative predictive value of 80%. In summary, the available evidence is currently insufficient to determine the role of this variant in disease. Therefore, it has been classified as a Variant of Uncertain Significance.

NM_015693.4(INTU):c.478G>C (p.Asp160His)

Gene: INTU (inturned planar cell polarity protein; plus strand). Cytogenetic location: 4q28.1.
Variant type: single nucleotide variant.
Coding change: c.478G>C on transcript NM_015693.4 (MANE Select); coding-DNA position 478, G replaced by C.
Protein change: p.Asp160His; replaces aspartic acid 160 with histidine.
Molecular consequence: missense variant.
Genome position (GRCh38, 1-based): chr4:127,643,852, G>C. VCF-style: chr4-127643852-G-C. GRCh37 (hg19) VCF-style: chr4-128565007-G-C.
Other names: short protein forms D160H.
Identifiers: ClinVar variation 3720987 (VCV003720987.2).